The following is an entry in ClinVar:

NM_003036.4(SKI):c.1753C>T (p.Arg585Cys)

Gene: SKI (SKI proto-oncogene; plus strand). Cytogenetic location: 1p36.32.
Variant type: single nucleotide variant.
Coding change: c.1753C>T on transcript NM_003036.4 (MANE Select); coding-DNA position 1753, C replaced by T.
Protein change: p.Arg585Cys; replaces arginine 585 with cysteine.
Molecular consequence: missense variant.
Genome position (GRCh38, 1-based): chr1:2,304,571, C>T. VCF-style: chr1-2304571-C-T. GRCh37 (hg19) VCF-style: chr1-2236010-C-T.
Other names: short protein forms R585C.
Identifiers: ClinVar variation 1779431 (VCV001779431.2), dbSNP rs758469054, ClinGen allele CA16896831.

ClinVar aggregate classification (germline): Uncertain significance (1 of 4 stars; one submission).

Conditions:
Familial thoracic aortic aneurysm and aortic dissection (TAAD). Also called: Thoracic aortic aneurysms and dissections. Identifiers: Orphanet 91387, MedGen C4707243, MONDO:0019625.

Allele frequency attached by ClinVar (database versions not stated): gnomAD exomes below 0.00001.
gnomAD v4.1: 2 of 1,558,790 alleles (0.00013%); highest among the groups gnomAD compares: African/African-American, 0.0014%; no homozygotes.

Submission:

Ambry Genetics
Classification: Uncertain significance for Familial thoracic aortic aneurysm and aortic dissection. Last evaluated: 2022-07-19. Review status: criteria provided, single submitter. Criteria: Ambry Variant Classification Scheme 2023. Collection method: clinical testing. Allele origin: germline.
Comment: The p.R585C variant (also known as c.1753C>T), located in coding exon 5 of the SKI gene, results from a C to T substitution at nucleotide position 1753. The arginine at codon 585 is replaced by cysteine, an amino acid with highly dissimilar properties. This amino acid position is conserved. In addition, this alteration is predicted to be deleterious by in silico analysis. Since supporting evidence is limited at this time, the clinical significance of this alteration remains unclear.